The following is an entry in ClinVar:

ClinVar aggregate classification (germline): Uncertain significance (1 of 4 stars; one submission).

Conditions:
Immunodeficiency 132A. Also called: Herpes simplex encephalitis, susceptibility to, 3. Identifiers: Orphanet 1930, MedGen C3553868, MONDO:0013920, OMIM 614849.

Allele frequency attached by ClinVar (database versions not stated): gnomAD exomes below 0.00001; TOPMed below 0.00001; ExAC 0.00001.
gnomAD v4.1: 5 of 1,612,032 alleles (0.00031%); highest among the groups gnomAD compares: Non-Finnish European, 0.00042%; no homozygotes.

Submission:

Labcorp Genetics (formerly Invitae), Labcorp
Classification: Uncertain significance for Immunodeficiency 132A. Last evaluated: 2025-04-22. Review status: criteria provided, single submitter. Criteria: Invitae Variant Classification Sherloc (09022015). Collection method: clinical testing. Allele origin: germline.
Comment: This sequence change replaces serine, which is neutral and polar, with phenylalanine, which is neutral and non-polar, at codon 275 of the TRAF3 protein (p.Ser275Phe). This variant is present in population databases (rs752493174, gnomAD 0.0009%). This variant has not been reported in the literature in individuals affected with TRAF3-related conditions. ClinVar contains an entry for this variant (Variation ID: 2963355). An algorithm developed to predict the effect of missense changes on protein structure and function (PolyPhen-2) suggests that this variant is likely to be tolerated. In summary, the available evidence is currently insufficient to determine the role of this variant in disease. Therefore, it has been classified as a Variant of Uncertain Significance.

NM_145725.3(TRAF3):c.824C>T (p.Ser275Phe)

Gene: TRAF3 (TNF receptor associated factor 3; plus strand). Cytogenetic location: 14q32.32.
Variant type: single nucleotide variant.
Coding change: c.824C>T on transcript NM_145725.3 (MANE Select); coding-DNA position 824, C replaced by T.
Protein change: p.Ser275Phe; replaces serine 275 with phenylalanine.
Molecular consequence: missense variant. On other transcripts: intron variant (1).
Genome position (GRCh38, 1-based): chr14:102,897,265, C>T. VCF-style: chr14-102897265-C-T. GRCh37 (hg19) VCF-style: chr14-103363602-C-T.
Other names: c.575C>T, p.Ser192Phe (NM_001199427.2); c.743C>T, p.Ser248Phe (NM_001385143.1); c.824C>T, p.Ser275Phe (NM_003300.4); c.749C>T, p.Ser250Phe (NM_145726.3); c.819+5848C>T (NM_001385142.1); short protein forms S192F, S275F, S248F, S250F.
Identifiers: ClinVar variation 2963355 (VCV002963355.3), dbSNP rs752493174, ClinGen allele CA7359424.